The following is an entry in ClinVar:

ClinVar aggregate classification (germline): Benign. Review status: criteria provided, multiple submitters, no conflicts (2 of 4 stars). 2 submissions from 2 submitters: Benign (2). Last evaluated 2018-06-19.

Allele frequency attached by ClinVar (database versions not stated): TOPMed 0.32139; 1000 Genomes Project 30x 0.35228; 1000 Genomes Project 0.36661.
gnomAD v4.1: 638,904 of 1,593,386 alleles (40%); highest among the groups gnomAD compares: East Asian, 65%; 133,978 homozygotes.

Submissions (2):

GeneDx
Classification: Benign. Last evaluated: 2018-06-19. Review status: criteria provided, single submitter. Criteria: GeneDx Variant Classification (06012015). Collection method: clinical testing. Allele origin: germline. Affected: yes.
Comment: This variant is considered likely benign or benign based on one or more of the following criteria: it is a conservative change, it occurs at a poorly conserved position in the protein, it is predicted to be benign by multiple in silico algorithms, and/or has population frequency not consistent with disease.

Breakthrough Genomics
Classification: Benign. Review status: criteria provided, single submitter. Criteria: ACMG Guidelines, 2015. Collection method: not provided. Allele origin: germline. Inheritance: Autosomal recessive inheritance. Affected: yes.

NM_000079.4(CHRNA1):c.1243-76T>G

Gene: CHRNA1 (cholinergic receptor nicotinic alpha 1 subunit; minus strand). Cytogenetic location: 2q31.1.
Variant type: single nucleotide variant.
Coding change: c.1243-76T>G on transcript NM_000079.4 (MANE Select); 76 bases into the intron before coding-DNA position 1243, T replaced by G.
Molecular consequence: intron variant.
Genome position (GRCh38, 1-based): chr2:174,748,331, A>C on the plus strand (T>G on the coding strand, the complement: CHRNA1 is on the minus strand). VCF-style: chr2-174748331-A-C. GRCh37 (hg19) VCF-style: chr2-175613059-A-C.
Other names: c.1318-76T>G (NM_001039523.3).
Identifiers: ClinVar variation 679896 (VCV000679896.2), dbSNP rs3816448, ClinGen allele CA11038440.